The following is an entry in ClinVar:

NM_003235.5(TG):c.1567T>C (p.Ser523Pro)

Gene: TG (thyroglobulin; plus strand). Cytogenetic location: 8q24.22.
Variant type: single nucleotide variant.
Coding change: c.1567T>C on transcript NM_003235.5 (MANE Select); coding-DNA position 1567, T replaced by C.
Protein change: p.Ser523Pro; replaces serine 523 with proline.
Molecular consequence: missense variant.
Genome position (GRCh38, 1-based): chr8:132,886,939, T>C. VCF-style: chr8-132886939-T-C. GRCh37 (hg19) VCF-style: chr8-133899184-T-C.
Other names: short protein forms S523P.
Identifiers: ClinVar variation 361915 (VCV000361915.45), dbSNP rs116062097, ClinGen allele CA4883209.

ClinVar aggregate classification (germline): Conflicting classifications of pathogenicity. Review status: criteria provided, conflicting classifications (1 of 4 stars). 7 submissions from 7 submitters: Uncertain significance (3); Likely benign (3). 1 of the submissions does not count toward it. Last evaluated 2026-01-27.

Conditions:
TG-related disorder. Also called: TG-related condition; TG-related disorders.
Iodotyrosyl coupling defect (TDH3). Also called: HYPOTHYROIDISM, CONGENITAL, DUE TO DYSHORMONOGENESIS, 3; THYROID HORMONOGENESIS, GENETIC DEFECT IN, 3. Identifiers: Orphanet 95716, MedGen C0342194, MONDO:0010135, OMIM 274700.

Allele frequency attached by ClinVar (database versions not stated): 1000 Genomes Project 30x 0.00078; 1000 Genomes Project 0.00100; gnomAD 0.00135; TOPMed 0.00148; gnomAD exomes 0.00160 and 0.00185; ExAC 0.00176; ESP Exome Variant Server 0.00292.
gnomAD v4.1: 2,926 of 1,614,156 alleles (0.18%); highest among the groups gnomAD compares: Middle Eastern, 0.84%; 6 homozygotes.

Submissions (7):

Labcorp Genetics (formerly Invitae), Labcorp
Classification: Likely benign. Last evaluated: 2026-01-27. Review status: criteria provided, single submitter. Criteria: Invitae Variant Classification Sherloc (09022015). Collection method: clinical testing. Allele origin: germline.

Women's Health and Genetics/Laboratory Corporation of America, LabCorp
Classification: Uncertain significance. Last evaluated: 2025-10-10. Review status: criteria provided, single submitter. Criteria: LabCorp Variant Classification Summary - May 2015. Collection method: clinical testing. Allele origin: germline.
Comment: Variant summary: TG c.1567T>C (p.Ser523Pro) results in a non-conservative amino acid change in the encoded protein sequence. Algorithms developed to predict the effect of missense changes on protein structure and function are either unavailable or do not agree on the potential impact of this missense change. The variant allele was found at a frequency of 0.0016 in 251162 control chromosomes in the gnomAD database, including one homozygote. This frequency is not significantly higher than estimated for disease-causing variants in TG, allowing no conclusion about variant significance. c.1567T>C has been reported in the literature in individuals affected with TG-Related Disorders, without strong evidence for causality (e.g. Barquero_2022). These reports do not provide unequivocal conclusions about association of the variant with TG-Related Disorders. To our knowledge, no experimental evidence demonstrating an impact on protein function has been reported. The following publications have been ascertained in the context of this evaluation (PMID: 36012511, 39006921, 31287502). ClinVar contains an entry for this variant (Variation ID: 361915). Based on the evidence outlined above, the variant was classified as uncertain significance.

CeGaT Center for Human Genetics Tuebingen
Classification: Likely benign. Last evaluated: 2025-07-01. Review status: criteria provided, single submitter. Criteria: CeGaT Center For Human Genetics Tuebingen Variant Classification Criteria Version 2. Collection method: clinical testing. Allele origin: germline. Affected: yes. Observed: 6 variant alleles.
Comment: TG: BP4

Blueprint Genetics
Classification: Likely benign. Last evaluated: 2024-11-27. Review status: criteria provided, single submitter. Criteria: ACMG Guidelines, 2015. Collection method: clinical testing. Allele origin: germline.

Illumina Laboratory Services, Illumina
Classification: Uncertain significance for Iodotyrosyl coupling defect. Last evaluated: 2018-01-13. Review status: criteria provided, single submitter. Criteria: ICSL Variant Classification Criteria 13 December 2019. Collection method: clinical testing. Allele origin: germline.

Genetic Services Laboratory, University of Chicago
Classification: Uncertain significance. Last evaluated: 2016-11-07. Review status: criteria provided, single submitter. Criteria: ACMG Guidelines, 2015. Collection method: clinical testing. Allele origin: germline. Affected: no.

PreventionGenetics, part of Exact Sciences
Classification: Likely benign for TG-related condition. Last evaluated: 2022-02-10. Review status: no assertion criteria provided. Collection method: clinical testing. Allele origin: germline. Not counted in ClinVar's aggregate classification.
Comment: This variant is classified as likely benign based on ACMG/AMP sequence variant interpretation guidelines (Richards et al. 2015 PMID: 25741868, with internal and published modifications).

Literature cited by the submitters: PubMed 36012511 (cited by Women's Health and Genetics/Laboratory Corporation of America, LabCorp); PubMed 31287502 (cited by Women's Health and Genetics/Laboratory Corporation of America, LabCorp); PubMed 39006921 (cited by Women's Health and Genetics/Laboratory Corporation of America, LabCorp).